The following is an entry in ClinVar:

ClinVar aggregate classification (germline): Uncertain significance (1 of 4 stars; one submission).

Conditions:
Fanconi anemia complementation group J. Also called: BRIP1-Related Fanconi Anemia. Identifiers: Orphanet 84, MedGen C1836860, MONDO:0012187, OMIM 609054.
Familial cancer of breast. Also called: BREAST CANCER, FAMILIAL; hereditary breast carcinoma; Hereditary breast cancer. Identifiers: Orphanet 227535, MedGen C0346153, MONDO:0016419, OMIM 114480. Disease mechanism: loss of function.

Submission:

Labcorp Genetics (formerly Invitae), Labcorp
Classification: Uncertain significance for Familial cancer of breast; Fanconi anemia complementation group J. Last evaluated: 2025-07-15. Review status: criteria provided, single submitter. Criteria: Invitae Variant Classification Sherloc (09022015). Collection method: clinical testing. Allele origin: germline.
Comment: This sequence change creates a premature translational stop signal (p.Pro931Glnfs*54) in the BRIP1 gene. While this is not anticipated to result in nonsense mediated decay, it is expected to disrupt the last 319 amino acid(s) of the BRIP1 protein. This variant is not present in population databases (gnomAD no frequency). This variant has not been reported in the literature in individuals affected with BRIP1-related conditions. ClinVar contains an entry for this variant (Variation ID: 530293). In summary, the available evidence is currently insufficient to determine the role of this variant in disease. Therefore, it has been classified as a Variant of Uncertain Significance.

NM_032043.3(BRIP1):c.2792del (p.Pro931fs)

Gene: BRIP1 (BRCA1 interacting DNA helicase 1; minus strand). Cytogenetic location: 17q23.2.
Variant type: Deletion.
Coding change: c.2792del on transcript NM_032043.3 (MANE Select); coding-DNA position 2792, one base deleted (C; older notation c.2792delC).
Protein change: p.Pro931fs; shifts the reading frame from proline 931.
Molecular consequence: frameshift variant.
Genome position (GRCh38, 1-based): chr17:61,685,949, G deleted on the plus strand (C on the coding strand, the reverse complement: BRIP1 is on the minus strand); the first of 2 consecutive G bases (chr17:61,685,949-61,685,950); deleting either gives the same sequence. VCF-style (leftmost placement, unchanged base first): chr17-61685948-TG-T. GRCh37 (hg19) VCF-style: chr17-59763309-TG-T.
Other names: c.2792delC (NM_032043.2); short protein forms P931fs.
Identifiers: ClinVar variation 530293 (VCV000530293.9), dbSNP rs1555573327, ClinGen allele CA658798923.